The following is an entry in ClinVar:

NM_001364905.1(LRBA):c.3815A>C (p.His1272Pro)

Gene: LRBA (LPS responsive beige-like anchor protein; minus strand). Cytogenetic location: 4q31.3.
Variant type: single nucleotide variant.
Coding change: c.3815A>C on transcript NM_001364905.1 (MANE Select); coding-DNA position 3815, A replaced by C.
Protein change: p.His1272Pro; replaces histidine 1272 with proline.
Molecular consequence: missense variant.
Genome position (GRCh38, 1-based): chr4:150,851,895, T>G on the plus strand (A>C on the coding strand, the complement: LRBA is on the minus strand). VCF-style: chr4-150851895-T-G. GRCh37 (hg19) VCF-style: chr4-151773047-T-G.
Other names: c.3815A>C, p.His1272Pro (NM_001199282.3, NM_001367550.1, NM_006726.5); short protein forms H1272P.
Identifiers: ClinVar variation 1897771 (VCV001897771.5), dbSNP rs1312237239, ClinGen allele CA358456198.
Genomic context (GRCh38, chr4:150,851,895, plus strand): 5'-TTTTTTAACTCAGTGCAAAAGTACTTGAATAAGACAATATATAAAATCACCTCAAGCACA[T>G]GTCGATGAGGTTGAGGTGCTTCCACGTTGGGACTGGCCTTCAACTCCAGCCTCTCAGTAT-3'
Protein context (NP_001351834.1, residues 1262-1282): PNVEAPQPHR[His1272Pro]VLEISRQHEQ

ClinVar aggregate classification (germline): Uncertain significance (1 of 4 stars; one submission).

Conditions:
Combined immunodeficiency due to LRBA deficiency. Also called: Common variable immunodeficiency 8, with autoimmunity. Identifiers: Orphanet 445018, MedGen C3553512, MONDO:0013863, OMIM 614700.

gnomAD v4.1: 10 of 1,608,142 alleles (0.00062%); highest among the groups gnomAD compares: Middle Eastern, 0.033%; no homozygotes.

Submission:

Labcorp Genetics (formerly Invitae), Labcorp
Classification: Uncertain significance for Combined immunodeficiency due to LRBA deficiency. Last evaluated: 2024-10-21. Review status: criteria provided, single submitter. Criteria: Invitae Variant Classification Sherloc (09022015). Collection method: clinical testing. Allele origin: germline.
Comment: This sequence change replaces histidine, which is basic and polar, with proline, which is neutral and non-polar, at codon 1272 of the LRBA protein (p.His1272Pro). This variant is present in population databases (no rsID available, gnomAD 0.003%). This variant has not been reported in the literature in individuals affected with LRBA-related conditions. ClinVar contains an entry for this variant (Variation ID: 1897771). Invitae Evidence Modeling of protein sequence and biophysical properties (such as structural, functional, and spatial information, amino acid conservation, physicochemical variation, residue mobility, and thermodynamic stability) indicates that this missense variant is not expected to disrupt LRBA protein function with a negative predictive value of 80%. In summary, the available evidence is currently insufficient to determine the role of this variant in disease. Therefore, it has been classified as a Variant of Uncertain Significance.